The following is an entry in ClinVar:

NM_004456.5(EZH2):c.246+260del

Gene: EZH2 (enhancer of zeste 2 polycomb repressive complex 2 subunit; minus strand). Cytogenetic location: 7q36.1.
Variant type: Deletion.
Coding change: c.246+260del on transcript NM_004456.5 (MANE Select); 260 bases into the intron after coding-DNA position 246, one base deleted (A; older notation c.246+260delA).
Molecular consequence: intron variant.
Genome position (GRCh38, 1-based): chr7:148,846,210, T deleted on the plus strand (A on the coding strand, the reverse complement: EZH2 is on the minus strand); the first of 10 consecutive T bases (chr7:148,846,210-148,846,219); deleting any one gives the same sequence. VCF-style (leftmost placement, unchanged base first): chr7-148846209-CT-C. GRCh37 (hg19) VCF-style: chr7-148543301-CT-C.
Other names: c.219+287del (NM_001203248.2, NM_001203249.2); c.246+260del (NM_152998.3, NM_001203247.2).
Identifiers: ClinVar variation 674043 (VCV000674043.1), dbSNP rs537327194, ClinGen allele CA168875018.

ClinVar aggregate classification (germline): Likely benign (1 of 4 stars; one submission).

Submission:

GeneDx
Classification: Likely benign. Last evaluated: 2018-06-19. Review status: criteria provided, single submitter. Criteria: GeneDx Variant Classification (06012015). Collection method: clinical testing. Allele origin: germline. Affected: yes.
Comment: This variant is considered likely benign or benign based on one or more of the following criteria: it is a conservative change, it occurs at a poorly conserved position in the protein, it is predicted to be benign by multiple in silico algorithms, and/or has population frequency not consistent with disease.